The following is an entry in ClinVar:

ClinVar aggregate classification (germline): Likely benign (0 of 4 stars; one submission).

Conditions:
RTTN-related disorder. Also called: RTTN-related condition.

Submission:

PreventionGenetics, part of Exact Sciences
Classification: Likely benign for RTTN-related condition. Last evaluated: 2024-08-13. Review status: no assertion criteria provided. Collection method: clinical testing. Allele origin: germline.
Comment: This variant is classified as likely benign based on ACMG/AMP sequence variant interpretation guidelines (Richards et al. 2015 PMID: 25741868, with internal and published modifications).

NM_173630.4(RTTN):c.4303-23_4303-10del

Gene: RTTN (rotatin; minus strand). Cytogenetic location: 18q22.2.
Variant type: Deletion.
Coding change: c.4303-23_4303-10del on transcript NM_173630.4 (MANE Select); 23 bases into the intron before coding-DNA position 4303 through 10 bases into the intron before coding-DNA position 4303, 14 bases deleted (TTTTTTTTTTTTTA).
Molecular consequence: intron variant.
Genome position (GRCh38, 1-based): chr18:70,086,694-70,086,707, TAAAAAAAAAAAAA deleted on the plus strand (TTTTTTTTTTTTTA on the coding strand, the reverse complement: RTTN is on the minus strand). VCF-style (leftmost placement, unchanged base first): chr18-70086693-GTAAAAAAAAAAAAA-G. GRCh37 (hg19) VCF-style: chr18-67753929-GTAAAAAAAAAAAAA-G.
Other names: c.1567-23_1567-10del (NM_001318520.2).
Identifiers: ClinVar variation 3348604 (VCV003348604.1).